The following is an entry in ClinVar:

NM_006160.4(NEUROD2):c.266A>G (p.Glu89Gly)

Gene: NEUROD2 (neuronal differentiation 2; minus strand). Cytogenetic location: 17q12.
Variant type: single nucleotide variant.
Coding change: c.266A>G on transcript NM_006160.4 (MANE Select); coding-DNA position 266, A replaced by G.
Protein change: p.Glu89Gly; replaces glutamic acid 89 with glycine.
Molecular consequence: missense variant.
Genome position (GRCh38, 1-based): chr17:39,606,334, T>C on the plus strand (A>G on the coding strand, the complement: NEUROD2 is on the minus strand). VCF-style: chr17-39606334-T-C. GRCh37 (hg19) VCF-style: chr17-37762587-T-C.
Other names: short protein forms E89G.
Identifiers: ClinVar variation 3900360 (VCV003900360.1).

ClinVar aggregate classification (germline): Uncertain significance (1 of 4 stars; one submission).

Submission:

GeneDx
Classification: Uncertain significance. Last evaluated: 2024-11-08. Review status: criteria provided, single submitter. Criteria: GeneDx Variant Classification Process June 2021. Collection method: clinical testing. Allele origin: germline. Affected: yes.
Comment: Not observed at significant frequency in large population cohorts (gnomAD); In silico analysis supports that this missense variant has a deleterious effect on protein structure/function; Has not been previously published as pathogenic or benign to our knowledge